The following is an entry in ClinVar:

NM_032892.5(FRMD5):c.859G>C (p.Gly287Arg)

Gene: FRMD5 (FERM domain containing 5; minus strand). Cytogenetic location: 15q15.3.
Variant type: single nucleotide variant.
Coding change: c.859G>C on transcript NM_032892.5 (MANE Select); coding-DNA position 859, G replaced by C.
Protein change: p.Gly287Arg; replaces glycine 287 with arginine.
Molecular consequence: missense variant. On other transcripts: non-coding transcript variant (1).
Genome position (GRCh38, 1-based): chr15:43,888,200, C>G on the plus strand (G>C on the coding strand, the complement: FRMD5 is on the minus strand). VCF-style: chr15-43888200-C-G. GRCh37 (hg19) VCF-style: chr15-44180398-C-G.
Other names: c.577G>C, p.Gly193Arg (NM_001286490.2); c.157G>C, p.Gly53Arg (NM_001286491.2); c.859G>C, p.Gly287Arg (NM_001322949.2, NM_001322950.2, NM_001411124.1); c.754G>C, p.Gly252Arg (NM_001322951.2); short protein forms G193R, G252R, G287R, G53R.
Identifiers: ClinVar variation 3389693 (VCV003389693.14).

ClinVar aggregate classification (germline): Uncertain significance (1 of 4 stars; one submission).

Submission:

CeGaT Center for Human Genetics Tuebingen
Classification: Uncertain significance. Last evaluated: 2024-09-01. Review status: criteria provided, single submitter. Criteria: CeGaT Center For Human Genetics Tuebingen Variant Classification Criteria Version 2. Collection method: clinical testing. Allele origin: germline. Affected: yes. Observed: 1 variant allele.
Comment: FRMD5: PM2, PP3